The following is an entry in ClinVar:

NM_000346.4(SOX9):c.531G>A (p.Arg177=)

Gene: SOX9 (SRY-box transcription factor 9; plus strand). Cytogenetic location: 17q24.3.
Variant type: single nucleotide variant.
Coding change: c.531G>A on transcript NM_000346.4 (MANE Select); coding-DNA position 531, G replaced by A.
Protein change: p.Arg177=; no amino-acid change (arginine 177 retained).
Molecular consequence: synonymous variant.
Genome position (GRCh38, 1-based): chr17:72,122,818, G>A. VCF-style: chr17-72122818-G-A. GRCh37 (hg19) VCF-style: chr17-70118959-G-A.
Identifiers: ClinVar variation 287629 (VCV000287629.39), dbSNP rs144824678, ClinGen allele CA8738936.

ClinVar aggregate classification (germline): Conflicting classifications of pathogenicity. Review status: criteria provided, conflicting classifications (1 of 4 stars). 4 submissions from 4 submitters: Uncertain significance (2); Benign (2). Last evaluated 2025-08-27.

Conditions:
Camptomelic dysplasia (CMPD). Also called: Campomelic Dysplasia; CMPD1/SRA1. Identifiers: Orphanet 140, MedGen C1861922, MONDO:0007251, OMIM 114290.

Allele frequency attached by ClinVar (database versions not stated): TOPMed 0.00067; gnomAD 0.00068 and 0.00071; 1000 Genomes Project 0.00100; 1000 Genomes Project 30x 0.00125; gnomAD exomes 0.00013; ExAC 0.00017; ESP Exome Variant Server 0.00046.

Submissions (4):

Labcorp Genetics (formerly Invitae), Labcorp
Classification: Benign for Camptomelic dysplasia. Last evaluated: 2025-08-27. Review status: criteria provided, single submitter. Criteria: Invitae Variant Classification Sherloc (09022015). Collection method: clinical testing. Allele origin: germline.

CeGaT Center for Human Genetics Tuebingen
Classification: Benign. Last evaluated: 2022-03-01. Review status: criteria provided, single submitter. Criteria: CeGaT Center For Human Genetics Tuebingen Variant Classification Criteria Version 2. Collection method: clinical testing. Allele origin: germline. Affected: yes. Observed: 1 variant allele.
Comment: SOX9: BS1, BS2

GeneDx
Classification: Uncertain significance. Last evaluated: 2019-12-30. Review status: criteria provided, single submitter. Criteria: GeneDx Variant Classification Process June 2021. Collection method: clinical testing. Allele origin: germline. Affected: yes.
Comment: Has not been previously published as pathogenic or benign to our knowledge

Eurofins Ntd Llc (ga)
Classification: Uncertain significance. Last evaluated: 2016-06-01. Review status: criteria provided, single submitter. Criteria: EGL Classification Definitions 2015. Collection method: clinical testing. Allele origin: germline. Observed: 1 variant allele, 1 heterozygote.